The following is an entry in ClinVar:

ClinVar aggregate classification (germline): Uncertain significance (1 of 4 stars; one submission).

Submission:

CeGaT Center for Human Genetics Tuebingen
Classification: Uncertain significance. Last evaluated: 2026-01-01. Review status: criteria provided, single submitter. Criteria: CeGaT Center For Human Genetics Tuebingen Variant Classification Criteria Version 2. Collection method: clinical testing. Allele origin: germline. Affected: yes. Observed: 1 variant allele.
Comment: KIF5A: PM2:Supporting

NM_004984.4(KIF5A):c.2025A>G (p.Glu675=)

Gene: KIF5A (kinesin family member 5A; plus strand). Cytogenetic location: 12q13.3.
Variant type: single nucleotide variant.
Coding change: c.2025A>G on transcript NM_004984.4 (MANE Select); coding-DNA position 2025, A replaced by G.
Protein change: p.Glu675=; no amino-acid change (glutamic acid 675 retained).
Molecular consequence: synonymous variant.
Genome position (GRCh38, 1-based): chr12:57,576,088, A>G. VCF-style: chr12-57576088-A-G. GRCh37 (hg19) VCF-style: chr12-57969871-A-G.
Other names: c.1758A>G, p.Glu586= (NM_001354705.2).
Identifiers: ClinVar variation 4823061 (VCV004823061.4).